The following is an entry in ClinVar:

NM_004369.4(COL6A3):c.3199G>T (p.Val1067Leu)

Gene: COL6A3 (collagen type VI alpha 3 chain; minus strand). Cytogenetic location: 2q37.3.
Variant type: single nucleotide variant.
Coding change: c.3199G>T on transcript NM_004369.4 (MANE Select); coding-DNA position 3199, G replaced by T.
Protein change: p.Val1067Leu; replaces valine 1067 with leucine.
Molecular consequence: missense variant.
Genome position (GRCh38, 1-based): chr2:237,374,892, C>A on the plus strand (G>T on the coding strand, the complement: COL6A3 is on the minus strand). VCF-style: chr2-237374892-C-A. GRCh37 (hg19) VCF-style: chr2-238283535-C-A.
Other names: c.1978G>T, p.Val660Leu (NM_057164.5); c.2581G>T, p.Val861Leu (NM_057165.5, NM_057167.4); c.1378G>T, p.Val460Leu (NM_057166.5); short protein forms V660L, V1067L, V460L, V861L.
Identifiers: ClinVar variation 4995326 (VCV004995326.1).

ClinVar aggregate classification (germline): Uncertain significance (1 of 4 stars; one submission).

Conditions:
COL6A3-related disorder. Also called: COL6A3-related condition; COL6A3-related disorders.

gnomAD v4.1: 1 of 1,613,918 alleles (0.000062%); highest among the groups gnomAD compares: Admixed American, 0.0017%; no homozygotes.

Submission:

PreventionGenetics, part of Exact Sciences
Classification: Uncertain significance for COL6A3-related condition. Last evaluated: 2026-06-09. Review status: criteria provided, single submitter. Criteria: ACMG Guidelines, 2015. Collection method: clinical testing. Allele origin: germline.
Comment: The COL6A3 c.3199G>T variant is predicted to result in the amino acid substitution p.Val1067Leu. To our knowledge, this variant has not been reported in the literature. This variant is reported in 0.0029% of alleles in individuals of Latino descent in gnomAD. At this time, the clinical significance of this variant is uncertain due to the absence of conclusive functional and genetic evidence.